The following is an entry in ClinVar:

ClinVar aggregate classification (germline): Likely pathogenic (1 of 4 stars; one submission).

Conditions:
SIN3A-related intellectual disability syndrome due to a point mutation. Also called: 15q24 Microdeletion Syndrome; WITTEVEEN-KOLK SYNDROME. Identifiers: Orphanet 500166, Orphanet 94065, MedGen C4310804, MONDO:0044700, OMIM 613406.

Submission:

3billion
Classification: Likely pathogenic for SIN3A-related intellectual disability syndrome due to a point mutation. Last evaluated: 2022-01-03. Review status: criteria provided, single submitter. Criteria: ACMG Guidelines, 2015. Collection method: clinical testing. Allele origin: germline. Affected: yes. Observed: 1 heterozygote.
Comment: Frameshift: predicted to result in a loss or disruption of normal protein function through nonsense-mediated decay (NMD) or protein truncation. Multiple pathogenic variants are reported downstream of the variant (PVS1_VS). It is not observed in the gnomAD v2.1.1 dataset (PM2_M). Therefore, this variant is classified as likely pathogenic according to the recommendation of ACMG/AMP guideline.

NM_001145358.2(SIN3A):c.3045_3046dup (p.Ile1016fs)

Gene: SIN3A (SIN3 transcription regulator family member A; minus strand). Cytogenetic location: 15q24.2.
Variant type: Microsatellite.
Coding change: c.3045_3046dup on transcript NM_001145358.2 (MANE Select); coding-DNA positions 3045 to 3046, 2 bases duplicated (GA; older notation c.3045_3046dupGA).
Protein change: p.Ile1016fs; shifts the reading frame from isoleucine 1016.
Molecular consequence: frameshift variant.
Genome position (GRCh38, 1-based): chr15:75,384,413-75,384,414, TC duplicated on the plus strand (GA on the coding strand, the reverse complement: SIN3A is on the minus strand); duplicating any 2 consecutive bases within chr15:75,384,413-75,384,416 gives the same sequence; the c. name uses the placement nearest the transcript's 3' end. VCF-style (leftmost placement, unchanged base first): chr15-75384412-A-ATC. GRCh37 (hg19) VCF-style: chr15-75676753-A-ATC.
Other names: c.3045_3046dup, p.Ile1016fs (NM_015477.3, NM_001145357.2); short protein forms I1016fs.
Identifiers: ClinVar variation 1333264 (VCV001333264.1), dbSNP rs2141396556, ClinGen allele CA2580613293.
Genomic context (GRCh38, chr15:75,384,412, plus strand): 5'-TGGCCTCCGGTGGCCCCATTATTATTTTCTGCCAGGTAAAGGTCAGTCACCTGCACACAG[A>ATC]TCTCATCACTCACGATATGCTGCAGCTGGAAGCAAACAAAGGCAAGCTTTTAGTGAACAC-3'